The following is an entry in ClinVar:

ClinVar aggregate classification (germline): Pathogenic. Review status: criteria provided, multiple submitters, no conflicts (2 of 4 stars). 5 submissions from 5 submitters: Pathogenic (5). Last evaluated 2025-06-22.

Conditions:
Congenital myotonia, autosomal dominant form (THD). Also called: Myotonia congenita autosomal dominant; THOMSEN DISEASE. Identifiers: Orphanet 614, MedGen C2936781, MONDO:0008055, OMIM 160800.
Congenital myotonia, autosomal recessive form. Also called: BECKER DISEASE; Becker Generalized Myotonia; myotonia congenita, autosomal recessive. Identifiers: Orphanet 614, MedGen C0751360, MONDO:0009715, OMIM 255700.

gnomAD v4.1: 5 of 1,614,024 alleles (0.00031%); highest among the groups gnomAD compares: African/African-American, 0.0013%; no homozygotes.

Submissions (5):

Labcorp Genetics (formerly Invitae), Labcorp
Classification: Pathogenic for Congenital myotonia, autosomal recessive form; Congenital myotonia, autosomal dominant form. Last evaluated: 2025-06-22. Review status: criteria provided, single submitter. Criteria: Invitae Variant Classification Sherloc (09022015). Collection method: clinical testing. Allele origin: germline.
Comment: This sequence change creates a premature translational stop signal (p.Arg317*) in the CLCN1 gene. It is expected to result in an absent or disrupted protein product. Loss-of-function variants in CLCN1 are known to be pathogenic (PMID: 17932099, 22094069, 23739125). This variant is not present in population databases (gnomAD no frequency). This variant has not been observed in the literature in individuals with autosomal recessive CLCN1-related conditions. This variant has been reported in individual(s) with autosomal dominant myotonia congenita (PMID: 19949657); however, the role of the variant in this condition is currently unclear. ClinVar contains an entry for this variant (Variation ID: 447077). Algorithms developed to predict the effect of sequence changes on RNA splicing suggest that this variant may disrupt the consensus splice site. For these reasons, this variant has been classified as Pathogenic.

Fulgent Genetics
Classification: Pathogenic for Congenital myotonia, autosomal dominant form; Congenital myotonia, autosomal recessive form. Last evaluated: 2024-03-07. Review status: criteria provided, single submitter. Criteria: ACMG Guidelines, 2015. Collection method: clinical testing. Allele origin: germline.

Revvity Omics, Revvity
Classification: Pathogenic. Last evaluated: 2021-03-26. Review status: criteria provided, single submitter. Criteria: ACMG Guidelines, 2015. Collection method: clinical testing. Allele origin: germline.

Athena Diagnostics
Classification: Pathogenic. Last evaluated: 2014-01-22. Review status: criteria provided, single submitter. Criteria: Athena Diagnostics Criteria. Collection method: clinical testing. Allele origin: germline.

Juno Genomics, Hangzhou Juno Genomics, Inc
Classification: Pathogenic for Congenital myotonia, autosomal dominant form; Congenital myotonia, autosomal recessive form. Review status: criteria provided, single submitter. Criteria: ACMG Guidelines, 2015. Collection method: clinical testing. Allele origin: germline.
Comment: Absent from controls (or at extremely low frequency if recessive) in Genome Aggregation Database.;Null variant in a gene where loss of function (LOF) is a known mechanism of disease.;The prevalence of the variant in affected individuals is significantly increased compared to the prevalence in controls.;For recessive disorders, detected in trans with a pathogenic variant.

Literature cited by the submitters: PubMed 17932099 (cited by Labcorp Genetics (formerly Invitae), Labcorp); PubMed 22094069 (cited by Labcorp Genetics (formerly Invitae), Labcorp); PubMed 23739125 (cited by Labcorp Genetics (formerly Invitae), Labcorp); PubMed 19949657 (cited by Labcorp Genetics (formerly Invitae), Labcorp and Athena Diagnostics).

NM_000083.3(CLCN1):c.949C>T (p.Arg317Ter)

Gene: CLCN1 (chloride voltage-gated channel 1; plus strand). Cytogenetic location: 7q34.
Variant type: single nucleotide variant.
Coding change: c.949C>T on transcript NM_000083.3 (MANE Select); coding-DNA position 949, C replaced by T.
Protein change: p.Arg317Ter; replaces arginine 317 with a stop codon.
Molecular consequence: nonsense. On other transcripts: non-coding transcript variant (1).
Genome position (GRCh38, 1-based): chr7:143,330,867, C>T. VCF-style: chr7-143330867-C-T. GRCh37 (hg19) VCF-style: chr7-143027960-C-T.
Other names: short protein forms R317*.
Identifiers: ClinVar variation 447077 (VCV000447077.16), dbSNP rs1337473924, ClinGen allele CA369641691.